The following is an entry in ClinVar:

NM_000088.3(COL1A1):c.700delG

Genes: COL1A1 (collagen type I alpha 1 chain; minus strand), LOC126862586 (CDK7 strongly-dependent group 2 enhancer GRCh37_chr17:48273702-48274901; plus strand). Cytogenetic location: 17q21.33.
Variant type: Deletion.
Coding change: c.700delG on transcript NM_000088.3; coding-DNA position 700, one base deleted (G).
Genome position (GRCh38, 1-based): chr17:50,197,230, C deleted on the plus strand (G on the coding strand, the reverse complement: COL1A1 is on the minus strand); the first of 5 consecutive C bases (chr17:50,197,230-50,197,234); deleting any one gives the same sequence. VCF-style (leftmost placement, unchanged base first): chr17-50197229-TC-T. GRCh37 (hg19) VCF-style: chr17-48274590-TC-T.
Identifiers: ClinVar variation 1701983 (VCV001701983.5), dbSNP rs2144584155, ClinGen allele CA2580094345.
Genomic context (GRCh38, chr17:50,197,229, plus strand): 5'-CCCCTGCTCACCTGAGGCCCAGGAGGCCCACGCTCACCAGGACGACCAGGTTTTCCAGCT[TC>T]CCCCTGAGAGGGAGAGAAAAGACCATCATGCCTCTGCCTCCCCACCACCGCCTAGGGGCT-3'

ClinVar aggregate classification (germline): Pathogenic. Review status: criteria provided, multiple submitters, no conflicts (2 of 4 stars). 2 submissions from 2 submitters: Pathogenic (2). Last evaluated 2025-01-21.

Conditions:
Osteogenesis imperfecta type I (OI1). Also called: Lobstein disease; OI, TYPE I; OSTEOGENESIS IMPERFECTA TARDA; OSTEOGENESIS IMPERFECTA WITH BLUE SCLERAE; Osteogenesis imperfecta type 1; Lobstein's Disease. Identifiers: Orphanet 216796, Orphanet 666, MedGen C0023931, MONDO:0008146, OMIM 166200. Disease mechanism: loss of function.
Osteogenesis imperfecta (OI). Identifiers: Orphanet 666, MedGen C0029434, MeSH D010013, MONDO:0019019.

Submissions (2):

Labcorp Genetics (formerly Invitae), Labcorp
Classification: Pathogenic for Osteogenesis imperfecta type I. Last evaluated: 2025-01-21. Review status: criteria provided, single submitter. Criteria: Invitae Variant Classification Sherloc (09022015). Collection method: clinical testing. Allele origin: germline.
Comment: This sequence change creates a premature translational stop signal (p.Glu234Lysfs*31) in the COL1A1 gene. It is expected to result in an absent or disrupted protein product. Loss-of-function variants in COL1A1 are known to be pathogenic (PMID: 7942841, 9295084, 9443882). This variant is not present in population databases (gnomAD no frequency). This premature translational stop signal has been observed in individual(s) with osteogenesis imperfecta (PMID: 25983617). ClinVar contains an entry for this variant (Variation ID: 1701983). For these reasons, this variant has been classified as Pathogenic.

Genome Diagnostics Laboratory, The Hospital for Sick Children
Classification: Pathogenic for Osteogenesis imperfecta. Last evaluated: 2022-02-23. Review status: criteria provided, single submitter. Criteria: ACMG Guidelines, 2015. Collection method: clinical testing. Allele origin: germline.

Literature cited by the submitters: PubMed 7942841 (cited by Labcorp Genetics (formerly Invitae), Labcorp); PubMed 9295084 (cited by Labcorp Genetics (formerly Invitae), Labcorp); PubMed 9443882 (cited by Labcorp Genetics (formerly Invitae), Labcorp); PubMed 25983617 (cited by Labcorp Genetics (formerly Invitae), Labcorp).